The following is an entry in ClinVar:

NM_000202.8(IDS):c.795C>A (p.Asn265Lys)

Genes: IDS (iduronate 2-sulfatase; minus strand), LOC106050102 (IDS recombination region; plus strand). Cytogenetic location: Xq28.
Variant type: single nucleotide variant.
Coding change: c.795C>A on transcript NM_000202.8 (MANE Select); coding-DNA position 795, C replaced by A.
Protein change: p.Asn265Lys; replaces asparagine 265 with lysine.
Molecular consequence: missense variant. On other transcripts: non-coding transcript variant (1).
Genome position (GRCh38, 1-based): chrX:149,496,430, G>T on the plus strand (C>A on the coding strand, the complement: IDS is on the minus strand). VCF-style: chrX-149496430-G-T. GRCh37 (hg19) VCF-style: chrX-148577961-G-T.
Other names: c.525C>A, p.Asn175Lys (NM_001166550.4); c.795C>A, p.Asn265Lys (NM_006123.5); short protein forms N265K, N175K.
Identifiers: ClinVar variation 1455714 (VCV001455714.8), dbSNP rs1207417919, ClinGen allele CA414521928.

ClinVar aggregate classification (germline): Pathogenic/Likely pathogenic. Review status: criteria provided, multiple submitters, no conflicts (2 of 4 stars). 2 submissions from 2 submitters: Pathogenic (1); Likely pathogenic (1). Last evaluated 2024-06-07.

Conditions:
Mucopolysaccharidosis, MPS-II (MPS2). Also called: Mucopolysaccharidosis type 2; IDS deficiency; Sulfoiduronate sulfatase deficiency; SIDS deficiency; Mucopolysaccharidosis with skin involvement; Hunter Syndrome. Identifiers: Orphanet 580, Orphanet 79388, MedGen C0026705, MONDO:0010674, OMIM 309900.

Submissions (2):

Laboratory of Diagnosis and Therapy of Lysosomal Disorders, University of Padova
Classification: Likely pathogenic for Mucopolysaccharidosis, MPS-II. Last evaluated: 2024-06-07. Review status: criteria provided, single submitter. Criteria: ACMG Guidelines, 2015. Collection method: literature only. Allele origin: germline. Affected: yes. Observed: 4 variant alleles.
Comment: Absent from controls (or at low frequency) in gnomAD database (PM2_Moderate), Missense variant in a gene with a low rate of benign missense variation (PP2_Supporting), Multiple lines of computational evidence support a deleterious effect (PP3_Supporting), Patient’s phenotype or family history highly specific for the disease (PP4_Strong)

Classification method: ACMG Guidelines [PMID:25741868] with modifications

Labcorp Genetics (formerly Invitae), Labcorp
Classification: Pathogenic for Mucopolysaccharidosis, MPS-II. Last evaluated: 2021-10-08. Review status: criteria provided, single submitter. Criteria: Invitae Variant Classification Sherloc (09022015). Collection method: clinical testing. Allele origin: germline.
Comment: This sequence change replaces asparagine with lysine at codon 265 of the IDS protein (p.Asn265Lys). The asparagine residue is highly conserved and there is a moderate physicochemical difference between asparagine and lysine. This variant is not present in population databases (ExAC no frequency). This missense change has been observed in individual(s) with mucopolysaccharidosis type II (PMID: 22976768, 24125893, 24875751, 33676511; Invitae). Algorithms developed to predict the effect of missense changes on protein structure and function are either unavailable or do not agree on the potential impact of this missense change (SIFT: "Deleterious"; PolyPhen-2: "Possibly Damaging"; Align-GVGD: "Class C0"). This variant disrupts the p.Asn265 amino acid residue in IDS. Other variant(s) that disrupt this residue have been observed in individuals with IDS-related conditions (PMID: 11452244), which suggests that this may be a clinically significant amino acid residue. For these reasons, this variant has been classified as Pathogenic.

Literature cited by the submitters: PubMed 24780617 (cited by Laboratory of Diagnosis and Therapy of Lysosomal Disorders, University of Padova); PubMed 22976768 (cited by Laboratory of Diagnosis and Therapy of Lysosomal Disorders, University of Padova and Labcorp Genetics (formerly Invitae), Labcorp); PubMed 33676511 (cited by Laboratory of Diagnosis and Therapy of Lysosomal Disorders, University of Padova and Labcorp Genetics (formerly Invitae), Labcorp); PubMed 24125893 (cited by Labcorp Genetics (formerly Invitae), Labcorp); PubMed 24875751 (cited by Labcorp Genetics (formerly Invitae), Labcorp); PubMed 11452244 (cited by Labcorp Genetics (formerly Invitae), Labcorp).